The following is an entry in ClinVar:

NM_001267550.2(TTN):c.32722+3A>G

Gene: TTN (titin; minus strand). Cytogenetic location: 2q31.2.
Variant type: single nucleotide variant.
Coding change: c.32722+3A>G on transcript NM_001267550.2 (MANE Select); 3 bases into the intron after coding-DNA position 32722, A replaced by G.
Molecular consequence: intron variant.
Genome position (GRCh38, 1-based): chr2:178,684,327, T>C on the plus strand (A>G on the coding strand, the complement: TTN is on the minus strand). VCF-style: chr2-178684327-T-C. GRCh37 (hg19) VCF-style: chr2-179549054-T-C.
Other names: c.13283-42010A>G (NM_003319.4); c.13859-42010A>G (NM_133437.4); c.13658-42010A>G (NM_133432.3); c.28990+3A>G (NM_133378.4); c.31771+3A>G (NM_001256850.1).
Identifiers: ClinVar variation 467019 (VCV000467019.8), dbSNP rs1182220171, ClinGen allele CA430128978.

ClinVar aggregate classification (germline): Uncertain significance (1 of 4 stars; one submission).

Conditions:
Autosomal recessive limb-girdle muscular dystrophy type 2J (LGMDR10). Also called: Limb-girdle muscular dystrophy, type 2J; MUSCULAR DYSTROPHY, LIMB-GIRDLE, AUTOSOMAL RECESSIVE 10. Identifiers: Orphanet 140922, MedGen C1837342, MONDO:0012127, OMIM 608807.
Dilated cardiomyopathy 1G (CMD1G). Identifiers: Orphanet 154, MedGen C1858763, MONDO:0011400, OMIM 604145.

Allele frequency attached by ClinVar (database versions not stated): gnomAD 0.00001.
gnomAD v4.1: 1 of 1,613,074 alleles (0.000062%); highest among the groups gnomAD compares: East Asian, 0.0022%; no homozygotes.

Submission:

Labcorp Genetics (formerly Invitae), Labcorp
Classification: Uncertain significance for Dilated cardiomyopathy 1G; Autosomal recessive limb-girdle muscular dystrophy type 2J. Last evaluated: 2022-08-15. Review status: criteria provided, single submitter. Criteria: Invitae Variant Classification Sherloc (09022015). Collection method: clinical testing. Allele origin: germline.
Comment: This sequence change falls in intron 132 of the TTN gene. It does not directly change the encoded amino acid sequence of the TTN protein. It affects a nucleotide within the consensus splice site. This variant is present in population databases (no rsID available, gnomAD 0.06%). This variant has not been reported in the literature in individuals affected with TTN-related conditions. ClinVar contains an entry for this variant (Variation ID: 467019). Variants that disrupt the consensus splice site are a relatively common cause of aberrant splicing (PMID: 17576681, 9536098). Algorithms developed to predict the effect of sequence changes on RNA splicing suggest that this variant may disrupt the consensus splice site. This variant is located in the I band of TTN (PMID: 25589632). Variants in this region may be clinically relevant, but have not been definitively shown to cause cardiomyopathy or neuromuscular disease (PMID: 27493940, 32778822). In summary, the available evidence is currently insufficient to determine the role of this variant in disease. Therefore, it has been classified as a Variant of Uncertain Significance.

Literature cited by the submitters: PubMed 17576681; PubMed 9536098; PubMed 25589632; PubMed 27493940; PubMed 32778822.